The following is an entry in ClinVar:

NM_001384474.1(LOXHD1):c.4961A>T (p.Glu1654Val)

Gene: LOXHD1 (lipoxygenase homology PLAT domains 1; minus strand). Cytogenetic location: 18q21.1.
Variant type: single nucleotide variant.
Coding change: c.4961A>T on transcript NM_001384474.1 (MANE Select); coding-DNA position 4961, A replaced by T.
Protein change: p.Glu1654Val; replaces glutamic acid 1654 with valine.
Molecular consequence: missense variant.
Genome position (GRCh38, 1-based): chr18:46,522,225, T>A on the plus strand (A>T on the coding strand, the complement: LOXHD1 is on the minus strand). VCF-style: chr18-46522225-T-A. GRCh37 (hg19) VCF-style: chr18-44102188-T-A.
Other names: c.1628A>T, p.Glu543Val (NM_001145472.3); c.1340A>T, p.Glu447Val (NM_001308013.2); c.4961A>T, p.Glu1654Val (NM_144612.7); short protein forms E543V, E1654V, E447V.
Identifiers: ClinVar variation 4986675 (VCV004986675.1).

ClinVar aggregate classification (germline): Uncertain significance (1 of 4 stars; one submission).

Conditions:
LOXHD1-related disorder. Also called: LOXHD1-related condition.

gnomAD v4.1: 14 of 1,551,786 alleles (0.0009%); highest among the groups gnomAD compares: African/African-American, 0.018%; no homozygotes.

Submission:

PreventionGenetics, part of Exact Sciences
Classification: Uncertain significance for LOXHD1-related condition. Last evaluated: 2025-04-01. Review status: criteria provided, single submitter. Criteria: ACMG Guidelines, 2015. Collection method: clinical testing. Allele origin: germline.
Comment: The LOXHD1 c.4961A>T variant is predicted to result in the amino acid substitution p.Glu1654Val. To our knowledge, this variant has not been reported in the literature. This variant is reported in 0.011% of alleles in individuals of African descent in gnomAD. At this time, the clinical significance of this variant is uncertain due to the absence of conclusive functional and genetic evidence.